The following is an entry in ClinVar:

NM_020458.4(TTC7A):c.764+1G>T

Gene: TTC7A (tetratricopeptide repeat domain 7A; plus strand). Cytogenetic location: 2p21.
Variant type: single nucleotide variant.
Coding change: c.764+1G>T on transcript NM_020458.4 (MANE Select); the canonical splice donor site of the intron after coding-DNA position 764, G replaced by T.
Molecular consequence: splice donor variant.
Genome position (GRCh38, 1-based): chr2:46,978,908, G>T. VCF-style: chr2-46978908-G-T. GRCh37 (hg19) VCF-style: chr2-47206047-G-T.
Other names: c.662+1G>T (NM_001288953.2); c.764+1G>T (NM_001288951.2); c.-141+1G>T (NM_001288955.2).
Identifiers: ClinVar variation 1487917 (VCV001487917.6), dbSNP rs756396993, ClinGen allele CA1647333.

ClinVar aggregate classification (germline): Likely pathogenic (1 of 4 stars; one submission).

Conditions:
Multiple gastrointestinal atresias. Also called: Multiple intestinal atresia; FAMILIAL INTESTINAL POLYATRESIA SYNDROME. Identifiers: Orphanet 2300, MedGen C0220744, MONDO:0009465.

Allele frequency attached by ClinVar (database versions not stated): ExAC 0.00001.
gnomAD v4.1: 1 of 1,609,738 alleles (0.000062%); highest among the groups gnomAD compares: East Asian, 0.0022%; no homozygotes.

Submission:

Labcorp Genetics (formerly Invitae), Labcorp
Classification: Likely pathogenic for Multiple gastrointestinal atresias. Last evaluated: 2021-10-13. Review status: criteria provided, single submitter. Criteria: Invitae Variant Classification Sherloc (09022015). Collection method: clinical testing. Allele origin: germline.
Comment: In summary, the currently available evidence indicates that the variant is pathogenic, but additional data are needed to prove that conclusively. Therefore, this variant has been classified as Likely Pathogenic. Algorithms developed to predict the effect of sequence changes on RNA splicing suggest that this variant may disrupt the consensus splice site. This variant has not been reported in the literature in individuals affected with TTC7A-related conditions. This variant is present in population databases (rs756396993, ExAC 0.01%). This sequence change affects a donor splice site in intron 5 of the TTC7A gene. It is expected to disrupt RNA splicing. Variants that disrupt the donor or acceptor splice site typically lead to a loss of protein function (PMID: 16199547), and loss-of-function variants in TTC7A are known to be pathogenic (PMID: 23830146, 24292712).

Literature cited by the submitters: PubMed 16199547; PubMed 23830146; PubMed 24292712.